The following is an entry in ClinVar:

ClinVar aggregate classification (germline): Uncertain significance (1 of 4 stars; one submission).

gnomAD v4.1: 1 of 1,613,332 alleles (0.000062%); highest among the groups gnomAD compares: Non-Finnish European, 0.000085%; no homozygotes.

Submission:

Labcorp Genetics (formerly Invitae), Labcorp
Classification: Uncertain significance. Last evaluated: 2024-03-16. Review status: criteria provided, single submitter. Criteria: Invitae Variant Classification Sherloc (09022015). Collection method: clinical testing. Allele origin: germline.
Comment: This sequence change replaces tyrosine, which is neutral and polar, with cysteine, which is neutral and slightly polar, at codon 356 of the RAI1 protein (p.Tyr356Cys). This variant is not present in population databases (gnomAD no frequency). This variant has not been reported in the literature in individuals affected with RAI1-related conditions. Advanced modeling of protein sequence and biophysical properties (such as structural, functional, and spatial information, amino acid conservation, physicochemical variation, residue mobility, and thermodynamic stability) performed at Invitae indicates that this missense variant is not expected to disrupt RAI1 protein function with a negative predictive value of 80%. In summary, the available evidence is currently insufficient to determine the role of this variant in disease. Therefore, it has been classified as a Variant of Uncertain Significance.

NM_030665.4(RAI1):c.1067A>G (p.Tyr356Cys)

Gene: RAI1 (retinoic acid induced 1; plus strand). Cytogenetic location: 17p11.2.
Variant type: single nucleotide variant.
Coding change: c.1067A>G on transcript NM_030665.4 (MANE Select); coding-DNA position 1067, A replaced by G.
Protein change: p.Tyr356Cys; replaces tyrosine 356 with cysteine.
Molecular consequence: missense variant.
Genome position (GRCh38, 1-based): chr17:17,794,015, A>G. VCF-style: chr17-17794015-A-G. GRCh37 (hg19) VCF-style: chr17-17697329-A-G.
Other names: short protein forms Y356C.
Identifiers: ClinVar variation 3691167 (VCV003691167.2).